The following is an entry in ClinVar:

ClinVar aggregate classification (germline): Benign/Likely benign. Review status: criteria provided, multiple submitters, no conflicts (2 of 4 stars). 3 submissions from 3 submitters: Benign (1); Likely benign (2). Last evaluated 2024-08-22.

Conditions:
Fanconi anemia complementation group J. Also called: BRIP1-Related Fanconi Anemia. Identifiers: Orphanet 84, MedGen C1836860, MONDO:0012187, OMIM 609054.
Familial cancer of breast. Also called: BREAST CANCER, FAMILIAL; Hereditary breast cancer; hereditary breast carcinoma. Identifiers: Orphanet 227535, MedGen C0346153, MONDO:0016419, OMIM 114480. Disease mechanism: loss of function.
Hereditary cancer-predisposing syndrome. Also called: Hereditary neoplastic syndrome; Neoplastic Syndromes, Hereditary; Tumor predisposition; Hereditary Cancer Syndrome. Identifiers: Orphanet 140162, MedGen C0027672, MeSH D009386, MONDO:0015356.

Allele frequency attached by ClinVar (database versions not stated): gnomAD exomes below 0.00001.
gnomAD v4.1: 1 of 1,614,016 alleles (0.000062%); highest among the groups gnomAD compares: Non-Finnish European, 0.000085%; no homozygotes.

Submissions (3):

Myriad Genetics, Inc.
Classification: Benign for Familial cancer of breast. Last evaluated: 2024-08-22. Review status: criteria provided, single submitter. Criteria: Myriad Autosomal Dominant, Autosomal Recessive and X-Linked Classification Criteria (2023). Collection method: clinical testing. Allele origin: unknown.
Comment: This variant is considered benign. This variant is a silent/synonymous amino acid change and it is not expected to impact splicing.

Labcorp Genetics (formerly Invitae), Labcorp
Classification: Likely benign for Familial cancer of breast; Fanconi anemia complementation group J. Last evaluated: 2024-07-08. Review status: criteria provided, single submitter. Criteria: Invitae Variant Classification Sherloc (09022015). Collection method: clinical testing. Allele origin: germline.

Ambry Genetics
Classification: Likely benign for Hereditary cancer-predisposing syndrome. Last evaluated: 2016-10-27. Review status: criteria provided, single submitter. Criteria: Ambry Variant Classification Scheme 2023. Collection method: clinical testing. Allele origin: germline.

NM_032043.3(BRIP1):c.792G>T (p.Arg264=)

Gene: BRIP1 (BRCA1 interacting DNA helicase 1; minus strand). Cytogenetic location: 17q23.2.
Variant type: single nucleotide variant.
Coding change: c.792G>T on transcript NM_032043.3 (MANE Select); coding-DNA position 792, G replaced by T.
Protein change: p.Arg264=; no amino-acid change (arginine 264 retained).
Molecular consequence: synonymous variant.
Genome position (GRCh38, 1-based): chr17:61,808,593, C>A on the plus strand (G>T on the coding strand, the complement: BRIP1 is on the minus strand). VCF-style: chr17-61808593-C-A. GRCh37 (hg19) VCF-style: chr17-59885954-C-A.
Identifiers: ClinVar variation 483175 (VCV000483175.15), dbSNP rs1555609230, ClinGen allele CA501335461.